The following is an entry in ClinVar:

ClinVar aggregate classification (germline): Benign (0 of 4 stars; one submission).

Conditions:
MUC16-related disorder. Also called: MUC16-related condition.

Allele frequency attached by ClinVar (database versions not stated): 1000 Genomes Project 0.62001; 1000 Genomes Project 30x 0.62883; gnomAD 0.66744; ESP Exome Variant Server 0.67917; ExAC 0.69231; gnomAD exomes 0.72152.

Submission:

PreventionGenetics, part of Exact Sciences
Classification: Benign for MUC16-related condition. Last evaluated: 2019-10-17. Review status: no assertion criteria provided. Collection method: clinical testing. Allele origin: germline.
Comment: This variant is classified as benign based on ACMG/AMP sequence variant interpretation guidelines (Richards et al. 2015 PMID: 25741868, with internal and published modifications).

NM_001401501.2(MUC16):c.42548G>A (p.Arg14183His)

Gene: MUC16 (mucin 16, cell surface associated; minus strand). Cytogenetic location: 19p13.2.
Variant type: single nucleotide variant.
Coding change: c.42548G>A on transcript NM_001401501.2 (MANE Select); coding-DNA position 42548, G replaced by A.
Protein change: p.Arg14183His; replaces arginine 14183 with histidine.
Molecular consequence: missense variant.
Genome position (GRCh38, 1-based): chr19:8,892,942, C>T on the plus strand (G>A on the coding strand, the complement: MUC16 is on the minus strand). VCF-style: chr19-8892942-C-T. GRCh37 (hg19) VCF-style: chr19-9003618-C-T.
Other names: c.42974G>A, p.Arg14325His (NM_001414686.1); c.42428G>A, p.Arg14143His (NM_001414687.1); c.40022G>A, p.Arg13341His (NM_024690.2); short protein forms R13341H, R14143H, R14183H, R14325H.
Identifiers: ClinVar variation 3059985 (VCV003059985.2), dbSNP rs11085776, ClinGen allele CA9163686.